The following is an entry in ClinVar:

ClinVar aggregate classification (germline): Uncertain significance. Review status: criteria provided, multiple submitters, no conflicts (2 of 4 stars). 2 submissions from 2 submitters: Uncertain significance (2). Last evaluated 2021-07-21.

Conditions:
Nephronophthisis. Also called: Juvenile Nephronophthisis. Identifiers: Orphanet 655, MedGen C0687120, MONDO:0019005, HP:0000090.

Allele frequency attached by ClinVar (database versions not stated): TOPMed below 0.00001; gnomAD exomes 0.00001; ExAC 0.00002.
gnomAD v4.1: 10 of 1,614,190 alleles (0.00062%); highest among the groups gnomAD compares: East Asian, 0.0022%; no homozygotes.

Submissions (2):

Labcorp Genetics (formerly Invitae), Labcorp
Classification: Uncertain significance for Nephronophthisis. Last evaluated: 2021-07-21. Review status: criteria provided, single submitter. Criteria: Invitae Variant Classification Sherloc (09022015). Collection method: clinical testing. Allele origin: germline.
Comment: Algorithms developed to predict the effect of missense changes on protein structure and function (SIFT, PolyPhen-2, Align-GVGD) all suggest that this variant is likely to be tolerated. In summary, the available evidence is currently insufficient to determine the role of this variant in disease. Therefore, it has been classified as a Variant of Uncertain Significance. This sequence change replaces serine with phenylalanine at codon 1024 of the INVS protein (p.Ser1024Phe). The serine residue is weakly conserved and there is a large physicochemical difference between serine and phenylalanine. This variant is present in population databases (rs778164167, ExAC 0.02%). This variant has not been reported in the literature in individuals affected with INVS-related conditions.

Blueprint Genetics
Classification: Uncertain significance. Last evaluated: 2018-08-12. Review status: criteria provided, single submitter. Criteria: ACMG Guidelines, 2015. Collection method: clinical testing. Allele origin: germline.

NM_014425.5(INVS):c.3071C>T (p.Ser1024Phe)

Gene: INVS (inversin; plus strand). Cytogenetic location: 9q31.1.
Variant type: single nucleotide variant.
Coding change: c.3071C>T on transcript NM_014425.5 (MANE Select); coding-DNA position 3071, C replaced by T.
Protein change: p.Ser1024Phe; replaces serine 1024 with phenylalanine.
Molecular consequence: missense variant. On other transcripts: non-coding transcript variant (1).
Genome position (GRCh38, 1-based): chr9:100,297,990, C>T. VCF-style: chr9-100297990-C-T. GRCh37 (hg19) VCF-style: chr9-103060272-C-T.
Other names: c.2783C>T, p.Ser928Phe (NM_001318381.2); c.2093C>T, p.Ser698Phe (NM_001318382.2); short protein forms S1024F, S928F, S698F.
Identifiers: ClinVar variation 1352107 (VCV001352107.9), dbSNP rs778164167, ClinGen allele CA5158776.